The following is an entry in ClinVar:

ClinVar aggregate classification (germline): Conflicting classifications of pathogenicity. Review status: criteria provided, conflicting classifications (1 of 4 stars). 2 submissions from 2 submitters: Uncertain significance (1); Likely benign (1). Last evaluated 2023-12-18.

Conditions:
Inborn genetic diseases. Identifiers: MedGen C0950123, MeSH D030342.

Allele frequency attached by ClinVar (database versions not stated): gnomAD exomes below 0.00001 and 0.00001; ExAC 0.00001; gnomAD 0.00001; TOPMed 0.00001; ESP Exome Variant Server 0.00008.
gnomAD v4.1: 8 of 1,613,978 alleles (0.0005%); highest among the groups gnomAD compares: Admixed American, 0.0017%; no homozygotes.

Submissions (2):

Ambry Genetics
Classification: Likely benign for Inborn genetic diseases. Last evaluated: 2023-12-18. Review status: criteria provided, single submitter. Criteria: Ambry Variant Classification Scheme 2023. Collection method: clinical testing. Allele origin: germline.

Labcorp Genetics (formerly Invitae), Labcorp
Classification: Uncertain significance. Last evaluated: 2021-10-07. Review status: criteria provided, single submitter. Criteria: Invitae Variant Classification Sherloc (09022015). Collection method: clinical testing. Allele origin: germline.
Comment: This sequence change replaces asparagine with serine at codon 1612 of the RP1 protein (p.Asn1612Ser). The asparagine residue is moderately conserved and there is a small physicochemical difference between asparagine and serine. This variant is present in population databases (rs372411580, ExAC 0.01%). This variant has not been reported in the literature in individuals affected with RP1-related conditions. Algorithms developed to predict the effect of missense changes on protein structure and function output the following: SIFT: "Tolerated"; PolyPhen-2: "Benign"; Align-GVGD: "Class C0". The serine amino acid residue is found in multiple mammalian species, which suggests that this missense change does not adversely affect protein function. In summary, the available evidence is currently insufficient to determine the role of this variant in disease. Therefore, it has been classified as a Variant of Uncertain Significance.

NM_006269.2(RP1):c.4835A>G (p.Asn1612Ser)

Gene: RP1 (RP1 axonemal microtubule associated; plus strand). Cytogenetic location: 8q12.1.
Variant type: single nucleotide variant.
Coding change: c.4835A>G on transcript NM_006269.2 (MANE Select); coding-DNA position 4835, A replaced by G.
Protein change: p.Asn1612Ser; replaces asparagine 1612 with serine.
Molecular consequence: missense variant. On other transcripts: intron variant (1).
Genome position (GRCh38, 1-based): chr8:54,628,717, A>G. VCF-style: chr8-54628717-A-G. GRCh37 (hg19) VCF-style: chr8-55541277-A-G.
Other names: c.4835A>G (NM_006269.1); c.787+6429A>G (NM_001375654.1); short protein forms N1612S.
Identifiers: ClinVar variation 1497529 (VCV001497529.7), dbSNP rs372411580, ClinGen allele CA4751955.